The following is an entry in ClinVar:

ClinVar aggregate classification (germline): Uncertain significance (1 of 4 stars; one submission).

Conditions:
Rhabdoid tumor predisposition syndrome 2 (RTPS2). Identifiers: Orphanet 231108, Orphanet 69077, MedGen C2750074, MONDO:0013224, OMIM 613325.

Submission:

Labcorp Genetics (formerly Invitae), Labcorp
Classification: Uncertain significance for Rhabdoid tumor predisposition syndrome 2. Last evaluated: 2024-04-09. Review status: criteria provided, single submitter. Criteria: Invitae Variant Classification Sherloc (09022015). Collection method: clinical testing. Allele origin: germline.
Comment: This sequence change replaces lysine, which is basic and polar, with arginine, which is basic and polar, at codon 582 of the SMARCA4 protein (p.Lys582Arg). This variant is not present in population databases (gnomAD no frequency). This variant has not been reported in the literature in individuals affected with SMARCA4-related conditions. Advanced modeling of protein sequence and biophysical properties (such as structural, functional, and spatial information, amino acid conservation, physicochemical variation, residue mobility, and thermodynamic stability) performed at Invitae indicates that this missense variant is not expected to disrupt SMARCA4 protein function with a negative predictive value of 95%. In summary, the available evidence is currently insufficient to determine the role of this variant in disease. Therefore, it has been classified as a Variant of Uncertain Significance.

NM_003072.5(SMARCA4):c.1745A>G (p.Lys582Arg)

Gene: SMARCA4 (SWI/SNF related BAF chromatin remodeling complex subunit ATPase 4; plus strand). Cytogenetic location: 19p13.2.
Variant type: single nucleotide variant.
Coding change: c.1745A>G on transcript NM_003072.5 (MANE Select); coding-DNA position 1745, A replaced by G.
Protein change: p.Lys582Arg; replaces lysine 582 with arginine.
Molecular consequence: missense variant. On other transcripts: non-coding transcript variant (1).
Genome position (GRCh38, 1-based): chr19:10,996,364, A>G. VCF-style: chr19-10996364-A-G. GRCh37 (hg19) VCF-style: chr19-11107040-A-G.
Other names: c.1745A>G, p.Lys582Arg (NM_001128844.3, NM_001128845.2, NM_001128846.2 and 6 more transcripts); short protein forms K582R.
Identifiers: ClinVar variation 3636852 (VCV003636852.2).